The following is an entry in ClinVar:

NM_001122659.3(EDNRB):c.1143dup (p.Asn382Ter)

Genes: EDNRB (endothelin receptor type B; minus strand), EDNRB-AS1 (EDNRB antisense RNA 1; plus strand). Cytogenetic location: 13q22.3.
Variant type: Duplication.
Coding change: c.1143dup on transcript NM_001122659.3 (MANE Select); coding-DNA position 1143, one base duplicated (T; older notation c.1143dupT).
Protein change: p.Asn382Ter; replaces asparagine 382 with a stop codon.
Molecular consequence: nonsense. On other transcripts: frameshift variant (1).
Genome position (GRCh38, 1-based): chr13:77,899,910, A duplicated on the plus strand (T on the coding strand, the reverse complement: EDNRB is on the minus strand); the first of 2 consecutive A bases (chr13:77,899,910-77,899,911); duplicating either gives the same sequence. VCF-style (leftmost placement, unchanged base first): chr13-77899909-T-TA. GRCh37 (hg19) VCF-style: chr13-78474044-T-TA.
Other names: c.1143dup, p.Asn382Ter (NM_000115.5, NM_003991.4); c.1412dup, p.Asn472Terfs (NM_001201397.2); short protein forms N382*, N472*.
Identifiers: ClinVar variation 2633374 (VCV002633374.4), dbSNP rs2501526238, ClinGen allele CA2575433848.
Genomic context (GRCh38, chr13:77,899,909, plus strand): 5'-AGTCTCTTACCTTAAAGCAGTTTTTGAATCTTTTGCTCACCAAATACAGAGCAATTGGGT[T>TA]AATGCAGGAATTCAGTGAAGCCATGTTGATACCAATATAGTCCAATACCAACAGAAAGCT-3'

ClinVar aggregate classification (germline): Pathogenic/Likely pathogenic. Review status: criteria provided, multiple submitters, no conflicts (2 of 4 stars). 3 submissions from 3 submitters: Pathogenic (1); Likely pathogenic (2). Last evaluated 2025-03-05.

Conditions:
Waardenburg syndrome type 4A (WS4A). Also called: WAARDENBURG SYNDROME WITH HIRSCHSPRUNG DISEASE, TYPE 4A. Identifiers: Orphanet 897, MedGen C1848519, MONDO:0010192, OMIM 277580.
EDNRB-related disorder. Also called: EDNRB-related condition; EDNRB-related disorders.

Submissions (3):

Human Genetics Bochum, Ruhr University Bochum
Classification: Likely pathogenic for Waardenburg syndrome type 4A. Last evaluated: 2025-03-05. Review status: criteria provided, single submitter. Criteria: ACMG Guidelines, 2015. Collection method: clinical testing. Allele origin: germline. Affected: yes.
Comment: ACMG criteria used to clasify this variant: PVS1, PM2_SUP

Labcorp Genetics (formerly Invitae), Labcorp
Classification: Pathogenic. Last evaluated: 2024-11-08. Review status: criteria provided, single submitter. Criteria: Invitae Variant Classification Sherloc (09022015). Collection method: clinical testing. Allele origin: germline.
Comment: This sequence change creates a premature translational stop signal (p.Asn382*) in the EDNRB gene. It is expected to result in an absent or disrupted protein product. Loss-of-function variants in EDNRB are known to be pathogenic (PMID: 8001159, 10528251, 20127975, 30394532). This variant is not present in population databases (gnomAD no frequency). This variant has not been reported in the literature in individuals affected with EDNRB-related conditions. ClinVar contains an entry for this variant (Variation ID: 2633374). Algorithms developed to predict the effect of sequence changes on RNA splicing suggest that this variant may disrupt the consensus splice site. For these reasons, this variant has been classified as Pathogenic.

PreventionGenetics, part of Exact Sciences
Classification: Likely pathogenic for EDNRB-related condition. Last evaluated: 2023-03-16. Review status: criteria provided, single submitter. Criteria: ACMG Guidelines, 2015. Collection method: clinical testing. Allele origin: germline.
Comment: The EDNRB c.1143dupT variant is predicted to result in premature protein termination (p.Asn382*). To our knowledge, this variant has not been reported in the literature or in a large population database, indicating this variant is rare. Nonsense variants in EDNRB are expected to be pathogenic. This variant is interpreted as likely pathogenic.

Literature cited by the submitters: PubMed 8001159 (cited by Labcorp Genetics (formerly Invitae), Labcorp); PubMed 10528251 (cited by Labcorp Genetics (formerly Invitae), Labcorp); PubMed 20127975 (cited by Labcorp Genetics (formerly Invitae), Labcorp); PubMed 30394532 (cited by Labcorp Genetics (formerly Invitae), Labcorp).